The following is an entry in ClinVar:

NM_001849.4(COL6A2):c.1672-37G>T

Gene: COL6A2 (collagen type VI alpha 2 chain; plus strand). Cytogenetic location: 21q22.3.
Variant type: single nucleotide variant.
Coding change: c.1672-37G>T on transcript NM_001849.4 (MANE Select); 37 bases into the intron before coding-DNA position 1672, G replaced by T.
Molecular consequence: intron variant.
Genome position (GRCh38, 1-based): chr21:46,124,614, G>T. VCF-style: chr21-46124614-G-T. GRCh37 (hg19) VCF-style: chr21-47544528-G-T.
Other names: c.1672-37G>T (NM_058175.3, NM_058174.3).
Identifiers: ClinVar variation 93917 (VCV000093917.7), dbSNP rs79205686, ClinGen allele CA147441.

ClinVar aggregate classification (germline): Benign. Review status: criteria provided, multiple submitters, no conflicts (2 of 4 stars). 4 submissions from 4 submitters: Benign (4). Last evaluated 2018-06-19.

Allele frequency attached by ClinVar (database versions not stated): 1000 Genomes Project 30x 0.04232; 1000 Genomes Project 0.04233; gnomAD 0.05715 and 0.05754; TOPMed 0.05794; ESP Exome Variant Server 0.07055.

Submissions (4):

GeneDx
Classification: Benign. Last evaluated: 2018-06-19. Review status: criteria provided, single submitter. Criteria: GeneDx Variant Classification (06012015). Collection method: clinical testing. Allele origin: germline. Affected: yes.
Comment: This variant is considered likely benign or benign based on one or more of the following criteria: it is a conservative change, it occurs at a poorly conserved position in the protein, it is predicted to be benign by multiple in silico algorithms, and/or has population frequency not consistent with disease.

Eurofins Ntd Llc (ga)
Classification: Benign. Last evaluated: 2012-11-16. Review status: criteria provided, single submitter. Criteria: EGL Classification Definitions 2015. Collection method: clinical testing. Allele origin: germline. Observed: 4 variant alleles, 4 heterozygotes.

Breakthrough Genomics
Classification: Benign. Review status: criteria provided, single submitter. Criteria: ACMG Guidelines, 2015. Collection method: not provided. Allele origin: germline. Inheritance: Autosomal recessive inheritance. Affected: yes.

PreventionGenetics, part of Exact Sciences
Classification: Benign. Review status: criteria provided, single submitter. Criteria: ACMG Guidelines, 2015. Collection method: clinical testing. Allele origin: germline.